The following is an entry in ClinVar:

ClinVar aggregate classification (germline): Uncertain significance (1 of 4 stars; one submission).

Submission:

CeGaT Center for Human Genetics Tuebingen
Classification: Uncertain significance. Last evaluated: 2026-05-01. Review status: criteria provided, single submitter. Criteria: CeGaT Center For Human Genetics Tuebingen Variant Classification Criteria Version 2. Collection method: clinical testing. Allele origin: germline. Affected: yes. Observed: 1 variant allele.
Comment: ATN1: PM2, PM1:Supporting, PS2:Supporting

NM_001940.4(ATN1):c.3146C>T (p.Pro1049Leu)

Gene: ATN1 (atrophin 1; plus strand). Cytogenetic location: 12p13.31.
Variant type: single nucleotide variant.
Coding change: c.3146C>T on transcript NM_001940.4 (MANE Select); coding-DNA position 3146, C replaced by T.
Protein change: p.Pro1049Leu; replaces proline 1049 with leucine.
Molecular consequence: missense variant.
Genome position (GRCh38, 1-based): chr12:6,939,109, C>T. VCF-style: chr12-6939109-C-T. GRCh37 (hg19) VCF-style: chr12-7048272-C-T.
Other names: c.3146C>T, p.Pro1049Leu (NM_001424178.1, NM_001007026.2, NM_001424176.1 and 1 more transcripts); c.3143C>T, p.Pro1048Leu (NM_001424179.1, NM_001424180.1); short protein forms P1048L, P1049L.
Identifiers: ClinVar variation 4874841 (VCV004874841.2).